The following is an entry in ClinVar:

NM_000350.3(ABCA4):c.4352+1G>C

Gene: ABCA4 (ATP binding cassette subfamily A member 4; minus strand). Cytogenetic location: 1p22.1.
Variant type: single nucleotide variant.
Coding change: c.4352+1G>C on transcript NM_000350.3 (MANE Select); the canonical splice donor site of the intron after coding-DNA position 4352, G replaced by C.
Molecular consequence: splice donor variant.
Genome position (GRCh38, 1-based): chr1:94,030,427, C>G on the plus strand (G>C on the coding strand, the complement: ABCA4 is on the minus strand). VCF-style: chr1-94030427-C-G. GRCh37 (hg19) VCF-style: chr1-94495983-C-G.
Identifiers: ClinVar variation 1451858 (VCV001451858.6), dbSNP rs200967229, ClinGen allele CA341285654.

ClinVar aggregate classification (germline): Pathogenic (1 of 4 stars; one submission).

Submission:

Labcorp Genetics (formerly Invitae), Labcorp
Classification: Pathogenic. Last evaluated: 2021-06-19. Review status: criteria provided, single submitter. Criteria: Invitae Variant Classification Sherloc (09022015). Collection method: clinical testing. Allele origin: germline.
Comment: Disruption of this splicing site has been observed in individual(s) with Stargardt Disease (PMID: 29925512, 32845068, 33090715). This sequence change affects a donor splice site in intron 29 of the ABCA4 gene. RNA analysis indicates that this variant induces altered splicing and likely results in a shortened protein product. This variant is not present in population databases (ExAC no frequency). Studies have shown that disruption of this splicing site is associated with skipping of exon 29 but is expected to preserve the integrity of the reading frame (PMID: 28118664). For these reasons, this variant has been classified as Pathogenic.

Literature cited by the submitters: PubMed 29925512; PubMed 32845068; PubMed 33090715; PubMed 28118664.